The following is an entry in ClinVar:

NM_001129.5(AEBP1):c.3109C>T (p.Arg1037Cys)

Gene: AEBP1 (AE binding protein 1; plus strand). Cytogenetic location: 7p13.
Variant type: single nucleotide variant.
Coding change: c.3109C>T on transcript NM_001129.5 (MANE Select); coding-DNA position 3109, C replaced by T.
Protein change: p.Arg1037Cys; replaces arginine 1037 with cysteine.
Molecular consequence: missense variant.
Genome position (GRCh38, 1-based): chr7:44,113,893, C>T. VCF-style: chr7-44113893-C-T. GRCh37 (hg19) VCF-style: chr7-44153492-C-T.
Other names: short protein forms R1037C.
Identifiers: ClinVar variation 3766025 (VCV003766025.1).

ClinVar aggregate classification (germline): Uncertain significance (1 of 4 stars; one submission).

gnomAD v4.1: 3 of 1,613,158 alleles (0.00019%); highest among the groups gnomAD compares: South Asian, 0.0022%; no homozygotes.

Submission:

GeneDx
Classification: Uncertain significance. Last evaluated: 2024-09-03. Review status: criteria provided, single submitter. Criteria: GeneDx Variant Classification Process June 2021. Collection method: clinical testing. Allele origin: germline. Affected: yes.
Comment: Not observed at significant frequency in large population cohorts (gnomAD); In silico analysis supports that this missense variant has a deleterious effect on protein structure/function; Has not been previously published as pathogenic or benign to our knowledge